The following is an entry in ClinVar:

NM_052844.4(DYNC2I2):c.814-5C>G

Genes: DYNC2I2 (dynein 2 intermediate chain 2; minus strand), LOC126860772 (CDK7 strongly-dependent group 2 enhancer GRCh37_chr9:131396972-131398171; plus strand). Cytogenetic location: 9q34.11.
Variant type: single nucleotide variant.
Coding change: c.814-5C>G on transcript NM_052844.4 (MANE Select); 5 bases into the intron before coding-DNA position 814, C replaced by G.
Molecular consequence: intron variant.
Genome position (GRCh38, 1-based): chr9:128,635,264, G>C on the plus strand (C>G on the coding strand, the complement: DYNC2I2 is on the minus strand). VCF-style: chr9-128635264-G-C. GRCh37 (hg19) VCF-style: chr9-131397543-G-C.
Identifiers: ClinVar variation 489167 (VCV000489167.2), dbSNP rs1554771220, ClinGen allele CA658683552.
Genomic context (GRCh38, chr9:128,635,264, plus strand): 5'-GCCACACTCAGCACCTGGAAGCGGTGGCTGTGCCCAGGCTCGGGCAGCCACACCACCTGA[G>C]TTAACAGCATGCAGGGCCAGGATGGAGACAAGGGACACCTGCCCAGGTGTCACGCTCCAC-3'

ClinVar aggregate classification (germline): Uncertain significance (1 of 4 stars; one submission).

Allele frequency attached by ClinVar (database versions not stated): gnomAD exomes below 0.00001.
gnomAD v4.1: 1 of 1,612,414 alleles (0.000062%); highest among the groups gnomAD compares: Non-Finnish European, 0.000085%; no homozygotes.

Submission:

GeneDx
Classification: Uncertain significance. Last evaluated: 2017-12-06. Review status: criteria provided, single submitter. Criteria: GeneDx Variant Classification (06012015). Collection method: clinical testing. Allele origin: germline. Affected: yes.
Comment: The c.814-5C>G variant in the WDR34 gene has not been reported previously as a pathogenic variant nor as a benign variant, to our knowledge. This variant reduces the quality of the splice acceptor site in intron 5, and is expected to cause abnormal gene splicing. However, in the absence of RNA/functional studies, the actual effect of c.814-5C>G in this individual is unknown. The c.814-5C>G variant is not observed in large population cohorts (Lek et al., 2016). We interpret c.814-5C>G as a variant of uncertain significance.